The following is an entry in ClinVar:

NM_001164665.2(KIAA1549):c.3129G>T (p.Arg1043Ser)

Gene: KIAA1549 (KIAA1549; minus strand). Cytogenetic location: 7q34.
Variant type: single nucleotide variant.
Coding change: c.3129G>T on transcript NM_001164665.2 (MANE Select); coding-DNA position 3129, G replaced by T.
Protein change: p.Arg1043Ser; replaces arginine 1043 with serine.
Molecular consequence: missense variant.
Genome position (GRCh38, 1-based): chr7:138,911,162, C>A on the plus strand (G>T on the coding strand, the complement: KIAA1549 is on the minus strand). VCF-style: chr7-138911162-C-A. GRCh37 (hg19) VCF-style: chr7-138595908-C-A.
Other names: c.3129G>T, p.Arg1043Ser (NM_020910.3); c.3129G>T (NM_001164665.1); short protein forms R1043S.
Identifiers: ClinVar variation 1934440 (VCV001934440.6), dbSNP rs756306646, ClinGen allele CA167160952.

ClinVar aggregate classification (germline): Uncertain significance. Review status: criteria provided, multiple submitters, no conflicts (2 of 4 stars). 2 submissions from 2 submitters: Uncertain significance (2). Last evaluated 2025-01-06.

Conditions:
Inborn genetic diseases. Identifiers: MedGen C0950123, MeSH D030342.

Submissions (2):

Labcorp Genetics (formerly Invitae), Labcorp
Classification: Uncertain significance. Last evaluated: 2025-01-06. Review status: criteria provided, single submitter. Criteria: Invitae Variant Classification Sherloc (09022015). Collection method: clinical testing. Allele origin: germline.
Comment: This sequence change replaces arginine, which is basic and polar, with serine, which is neutral and polar, at codon 1043 of the KIAA1549 protein (p.Arg1043Ser). The frequency data for this variant in the population databases is considered unreliable, as metrics indicate poor data quality at this position in the gnomAD database. This variant has not been reported in the literature in individuals affected with KIAA1549-related conditions. ClinVar contains an entry for this variant (Variation ID: 1934440). An algorithm developed to predict the effect of missense changes on protein structure and function (PolyPhen-2) suggests that this variant is likely to be disruptive. In summary, the available evidence is currently insufficient to determine the role of this variant in disease. Therefore, it has been classified as a Variant of Uncertain Significance.

Ambry Genetics
Classification: Uncertain significance for Inborn genetic diseases. Last evaluated: 2024-03-16. Review status: criteria provided, single submitter. Criteria: Ambry Variant Classification Scheme 2023. Collection method: clinical testing. Allele origin: germline.